The following is an entry in ClinVar:

ClinVar aggregate classification (germline): Uncertain significance. Review status: criteria provided, multiple submitters, no conflicts (2 of 4 stars). 2 submissions from 2 submitters: Uncertain significance (2). Last evaluated 2025-12-22.

Conditions:
Variegate porphyria (VP). Also called: PPOX DEFICIENCY; PORPHYRIA, SOUTH AFRICAN TYPE; PROTOPORPHYRINOGEN OXIDASE DEFICIENCY. Identifiers: Orphanet 79473, MedGen C0162532, MONDO:0008297, OMIM 176200.
Variegate porphyria, childhood-onset (VPCO). Also called: VARIEGATE PORPHYRIA, HOMOZYGOUS VARIANT. Identifiers: MedGen C5882681, MONDO:0957577, OMIM 620483.

gnomAD v4.1: 2 of 1,614,174 alleles (0.00012%); highest among the groups gnomAD compares: South Asian, 0.0022%; no homozygotes.

Submissions (2):

3billion
Classification: Uncertain significance for Variegate porphyria, childhood-onset. Last evaluated: 2025-12-22. Review status: criteria provided, single submitter. Criteria: ACMG Guidelines, 2015. Collection method: clinical testing. Allele origin: germline. Affected: yes.
Comment: The variant is observed at an extremely low frequency in the gnomAD v4.1.0 dataset (total allele frequency: <0.001%). Predicted Consequence/Location: Missense variant In silico tool predictions suggest damaging effect of the variant on gene or gene product [REVEL: 0.69 (>=0.6, sensitivity 0.68 and specificity 0.92)]. The variant has been reported as of uncertain significance (ClinVar ID: VCV003731484). Therefore, this variant is classified as VUS according to the recommendation of ACMG/AMP guideline.

Neuberg Centre For Genomic Medicine, NCGM
Classification: Uncertain significance for Variegate porphyria. Last evaluated: 2023-06-22. Review status: criteria provided, single submitter. Criteria: ACMG Guidelines, 2015. Collection method: clinical testing. Allele origin: germline. Inheritance: Autosomal dominant inheritance. Affected: yes.
Comment: The observed missense c.1345G>A(p.Ala449Thr) variant in PPOX gene has not been reported previously as a pathogenic variant nor as a benign variant, to our knowledge. This variant is reported with the allele frequency of 0.0004% in the gnomAD Exomes. The amino acid Ala at position 449 is changed to a Thr changing protein sequence and it might alter its composition and physico-chemical properties. The amino acid change p.Ala449Thr in PPOX is predicted as conserved by GERP++ and PhyloP across 100 vertebrates. Multiple lines of computational evidence (Polyphen - Damaging, SIFT - Damaging, and MutationTaster - Disease causing) predict a damaging effect on protein structure and function for this variant. For these reasons, this variant has been classified as Uncertain Significance.

NM_001122764.3(PPOX):c.1345G>A (p.Ala449Thr)

Gene: PPOX (protoporphyrinogen oxidase; plus strand). Cytogenetic location: 1q23.3.
Variant type: single nucleotide variant.
Coding change: c.1345G>A on transcript NM_001122764.3 (MANE Select); coding-DNA position 1345, G replaced by A.
Protein change: p.Ala449Thr; replaces alanine 449 with threonine.
Molecular consequence: missense variant.
Genome position (GRCh38, 1-based): chr1:161,171,087, G>A. VCF-style: chr1-161171087-G-A. GRCh37 (hg19) VCF-style: chr1-161140877-G-A.
Other names: c.1234G>A, p.Ala412Thr (NM_001365399.1); c.937G>A, p.Ala313Thr (NM_001365400.1, NM_001350129.2); c.859G>A, p.Ala287Thr (NM_001365401.1, NM_001350130.2, NM_001350131.2); c.1345G>A, p.Ala449Thr (NM_000309.5, NM_001365398.1); c.1246G>A, p.Ala416Thr (NM_001350128.2); short protein forms A287T, A313T, A412T, A416T, A449T.
Identifiers: ClinVar variation 3731484 (VCV003731484.2).